The following is an entry in ClinVar:

NM_005359.6(SMAD4):c.584dup (p.Tyr195Ter)

Gene: SMAD4 (SMAD family member 4; plus strand). Cytogenetic location: 18q21.2.
Variant type: Duplication.
Coding change: c.584dup on transcript NM_005359.6 (MANE Select); coding-DNA position 584, one base duplicated (A; older notation c.584dupA).
Protein change: p.Tyr195Ter; replaces tyrosine 195 with a stop codon.
Molecular consequence: nonsense. On other transcripts: frameshift variant (4).
Genome position (GRCh38, 1-based): chr18:51,054,910, A duplicated. VCF-style (leftmost placement, unchanged base first): chr18-51054909-T-TA. GRCh37 (hg19) VCF-style: chr18-48581279-T-TA.
Other names: c.584dupA (NM_005359.5); c.584dup, p.Tyr195Terfs (NM_001407041.1, NM_001407042.1, NM_001407043.1); short protein forms Y195*.
Identifiers: ClinVar variation 1750067 (VCV001750067.7), dbSNP rs2511374597, ClinGen allele CA2580095893.

ClinVar aggregate classification (germline): Pathogenic. Review status: criteria provided, multiple submitters, no conflicts (2 of 4 stars). 2 submissions from 2 submitters: Pathogenic (2). Last evaluated 2022-08-20.

Conditions:
Familial thoracic aortic aneurysm and aortic dissection (TAAD). Also called: Thoracic aortic aneurysms and dissections. Identifiers: Orphanet 91387, MedGen C4707243, MONDO:0019625.
Hereditary cancer-predisposing syndrome. Also called: Neoplastic Syndromes, Hereditary; Tumor predisposition; Hereditary neoplastic syndrome; Hereditary Cancer Syndrome. Identifiers: Orphanet 140162, MedGen C0027672, MeSH D009386, MONDO:0015356.
Juvenile polyposis syndrome (JPS). Identifiers: Orphanet 2929, MedGen C0345893, MONDO:0017380, OMIM 174900.

Allele frequency attached by ClinVar (database versions not stated): gnomAD exomes below 0.00001.

Submissions (2):

Labcorp Genetics (formerly Invitae), Labcorp
Classification: Pathogenic for Juvenile polyposis syndrome. Last evaluated: 2022-08-20. Review status: criteria provided, single submitter. Criteria: Invitae Variant Classification Sherloc (09022015). Collection method: clinical testing. Allele origin: germline.
Comment: This sequence change creates a premature translational stop signal (p.Tyr195*) in the SMAD4 gene. It is expected to result in an absent or disrupted protein product. Loss-of-function variants in SMAD4 are known to be pathogenic (PMID: 16152648, 16436638, 22810475). For these reasons, this variant has been classified as Pathogenic. This variant has not been reported in the literature in individuals affected with SMAD4-related conditions. This variant is not present in population databases (gnomAD no frequency).

Ambry Genetics
Classification: Pathogenic for Hereditary cancer-predisposing syndrome; Familial thoracic aortic aneurysm and aortic dissection. Last evaluated: 2020-02-11. Review status: criteria provided, single submitter. Criteria: Ambry Variant Classification Scheme 2023. Collection method: clinical testing. Allele origin: germline.
Comment: The c.584dupA pathogenic mutation, located in coding exon 4 of the SMAD4 gene, results from a duplication of A at nucleotide position 584, causing a translational frameshift with a predicted alternate stop codon (p.Y195*). This alteration is expected to result in loss of function by premature protein truncation or nonsense-mediated mRNA decay. As such, this alteration is interpreted as a disease-causing mutation.

Literature cited by the submitters: PubMed 16152648 (cited by Labcorp Genetics (formerly Invitae), Labcorp); PubMed 16436638 (cited by Labcorp Genetics (formerly Invitae), Labcorp); PubMed 22810475 (cited by Labcorp Genetics (formerly Invitae), Labcorp).